The following is an entry in ClinVar:

ClinVar aggregate classification (germline): Uncertain significance (1 of 4 stars; one submission).

gnomAD v4.1: 1 of 1,614,190 alleles (0.000062%); highest among the groups gnomAD compares: Admixed American, 0.0017%; no homozygotes.

Submission:

Women's Health and Genetics/Laboratory Corporation of America, LabCorp
Classification: Uncertain significance. Last evaluated: 2025-07-03. Review status: criteria provided, single submitter. Criteria: LabCorp Variant Classification Summary - May 2015. Collection method: clinical testing. Allele origin: germline.
Comment: Variant summary: CLCN1 c.936C>G (p.Ser312Arg) results in a non-conservative amino acid change in the encoded protein sequence. Algorithms developed to predict the effect of missense changes on protein structure and function all suggest that this variant is likely to be disruptive. The variant allele was found at a frequency of 4e-06 in 251420 control chromosomes. c.936C>G has been observed in the homozygous and compound heterozygous state in individuals affected with Myotonia congenita (Lakraj_2013, internal data). These data indicate that the variant may be associated with disease. To our knowledge, no experimental evidence demonstrating an impact on protein function has been reported. The following publications have been ascertained in the context of this evaluation (PMID: 23483815). ClinVar contains an entry for this variant (Variation ID: 3385124). Based on the evidence outlined above, the variant was classified as VUS-possibly pathogenic.

Literature cited by the submitters: PubMed 23483815.

NM_000083.3(CLCN1):c.936C>G (p.Ser312Arg)

Gene: CLCN1 (chloride voltage-gated channel 1; plus strand). Cytogenetic location: 7q34.
Variant type: single nucleotide variant.
Coding change: c.936C>G on transcript NM_000083.3 (MANE Select); coding-DNA position 936, C replaced by G.
Protein change: p.Ser312Arg; replaces serine 312 with arginine.
Molecular consequence: missense variant. On other transcripts: non-coding transcript variant (1).
Genome position (GRCh38, 1-based): chr7:143,330,854, C>G. VCF-style: chr7-143330854-C-G. GRCh37 (hg19) VCF-style: chr7-143027947-C-G.
Other names: short protein forms S312R.
Identifiers: ClinVar variation 3385124 (VCV003385124.3).